The following is an entry in ClinVar:

ClinVar aggregate classification (germline): Uncertain significance. Review status: criteria provided, multiple submitters, no conflicts (2 of 4 stars). 3 submissions from 3 submitters: Uncertain significance (3). Last evaluated 2023-05-31.

Conditions:
Inborn genetic diseases. Identifiers: MedGen C0950123, MeSH D030342.
Leukoencephalopathy with brain stem and spinal cord involvement-high lactate syndrome (LBSL). Also called: LEUKOENCEPHALOPATHY WITH BRAINSTEM AND SPINAL CORD INVOLVEMENT AND LACTATE ELEVATION, MILD; Leukoencephalopathy with Brainstem and Spinal Cord Involvement and Lactate Elevation; MITOCHONDRIAL ASPARTYL-tRNA SYNTHETASE DEFICIENCY. Identifiers: Orphanet 137898, MedGen C1970180, MONDO:0012622, OMIM 611105.

Allele frequency attached by ClinVar (database versions not stated): gnomAD exomes 0.00001 and 0.00004; gnomAD 0.00002; TOPMed 0.00002; ExAC 0.00003; 1000 Genomes Project 30x 0.00016; 1000 Genomes Project 0.00020.
gnomAD v4.1: 26 of 1,606,358 alleles (0.0016%); highest among the groups gnomAD compares: East Asian, 0.038%; no homozygotes.

Submissions (3):

Ambry Genetics
Classification: Uncertain significance for Inborn genetic diseases. Last evaluated: 2023-05-31. Review status: criteria provided, single submitter. Criteria: Ambry Variant Classification Scheme 2023. Collection method: clinical testing. Allele origin: germline.

Genome-Nilou Lab
Classification: Uncertain significance for Leukoencephalopathy with brain stem and spinal cord involvement-high lactate syndrome. Last evaluated: 2023-04-11. Review status: criteria provided, single submitter. Criteria: ACMG Guidelines, 2015. Collection method: clinical testing. Allele origin: germline. Affected: no.

Labcorp Genetics (formerly Invitae), Labcorp
Classification: Uncertain significance. Last evaluated: 2022-05-05. Review status: criteria provided, single submitter. Criteria: Invitae Variant Classification Sherloc (09022015). Collection method: clinical testing. Allele origin: germline.
Comment: This sequence change replaces arginine, which is basic and polar, with methionine, which is neutral and non-polar, at codon 381 of the DARS2 protein (p.Arg381Met). This variant is present in population databases (rs549700561, gnomAD 0.05%). This variant has not been reported in the literature in individuals affected with DARS2-related conditions. Algorithms developed to predict the effect of missense changes on protein structure and function are either unavailable or do not agree on the potential impact of this missense change (SIFT: "Tolerated"; PolyPhen-2: "Possibly Damaging"; Align-GVGD: "Class C0"). In summary, the available evidence is currently insufficient to determine the role of this variant in disease. Therefore, it has been classified as a Variant of Uncertain Significance.

NM_018122.5(DARS2):c.1142G>T (p.Arg381Met)

Gene: DARS2 (aspartyl-tRNA synthetase 2, mitochondrial; plus strand). Cytogenetic location: 1q25.1.
Variant type: single nucleotide variant.
Coding change: c.1142G>T on transcript NM_018122.5 (MANE Select); coding-DNA position 1142, G replaced by T.
Protein change: p.Arg381Met; replaces arginine 381 with methionine.
Molecular consequence: missense variant.
Genome position (GRCh38, 1-based): chr1:173,845,242, G>T. VCF-style: chr1-173845242-G-T. GRCh37 (hg19) VCF-style: chr1-173814380-G-T.
Other names: c.1142G>T (NM_018122.4); c.1142G>T, p.Arg381Met (NM_001365212.1, NM_001365213.2); short protein forms R381M.
Identifiers: ClinVar variation 1404898 (VCV001404898.8), dbSNP rs549700561, ClinGen allele CA1250330.
Genomic context (GRCh38, chr1:173,845,242, plus strand): 5'-AGCTAAGTGTCATACTGACAAGTTTACTTTGATTTTTCTTTCATCAGAAATACTTAAAAA[G>T]GAAAGACATTGAATCCATTAGAAACTTTGCAGCTGACCATTTTAATCAGGTAAGGAGTTA-3'
Protein context (NP_060592.2, residues 371-391): CIPEGAKYLK[Arg381Met]KDIESIRNFA